The following is an entry in ClinVar:

ClinVar aggregate classification (germline): Conflicting classifications of pathogenicity. Review status: criteria provided, conflicting classifications (1 of 4 stars). 6 submissions from 6 submitters: Likely pathogenic (3); Uncertain significance (3). Last evaluated 2026-07-29.

Conditions:
Hereditary cancer-predisposing syndrome. Also called: Hereditary Cancer Syndrome; Tumor predisposition; Hereditary neoplastic syndrome; Neoplastic Syndromes, Hereditary. Identifiers: Orphanet 140162, MedGen C0027672, MeSH D009386, MONDO:0015356.
Familial adenomatous polyposis 2. Also called: MUTYH-associated polyposis; Adenomas, multiple colorectal; FAP type 2; MUTYH Polyposis; COLORECTAL ADENOMATOUS POLYPOSIS, AUTOSOMAL RECESSIVE; ADENOMAS, MULTIPLE COLORECTAL, AUTOSOMAL RECESSIVE. Identifiers: Orphanet 220460, Orphanet 247798, MedGen C3272841, MONDO:0012041, OMIM 608456.

Submissions (6):

Myriad Genetics, Inc.
Classification: Likely pathogenic for Familial adenomatous polyposis 2. Last evaluated: 2026-07-29. Review status: criteria provided, single submitter. Criteria: Myriad Autosomal Dominant, Autosomal Recessive and X-Linked Classification Criteria (2023). Collection method: clinical testing. Allele origin: unknown.
Comment: This variant is considered likely pathogenic. This variant is expected to disrupt protein structure [Myriad internal data]. Functional studies indicate this variant impacts protein function [PMID: 40738107].

Ambry Genetics
Classification: Likely pathogenic for Hereditary cancer-predisposing syndrome. Last evaluated: 2025-08-12. Review status: criteria provided, single submitter. Criteria: Ambry Variant Classification Scheme 2023. Collection method: clinical testing. Allele origin: germline.
Comment: The p.C297Y variant (also known as c.890G>A), located in coding exon 10 of the MUTYH gene, results from a G to A substitution at nucleotide position 890. The cysteine at codon 297 is replaced by tyrosine, an amino acid with highly dissimilar properties. This variant has been identified in conjunction with other MUTYH variant(s) in individual(s) with features consistent with MUTYH-associated polyposis(Ambry internal data). In a massively parallel cell-based functional assay testing 7,8-dihydro-8- oxoguanine:adenine (8OG:A) repair activity, a byproduct of oxidative damage, this variant was reported to be non-functional (Hemker SL et al. Am J Hum Genet. Published online July 29, 2025. DOI: 10.1016/j.ajhg.2025.07.005). This amino acid position is highly conserved in available vertebrate species. In addition, this alteration is predicted to be deleterious by in silico analysis. This variant is considered to be rare based on population cohorts in the Genome Aggregation Database (gnomAD). Based on the majority of available evidence to date, this variant is likely to be pathogenic.

Labcorp Genetics (formerly Invitae), Labcorp
Classification: Uncertain significance for Familial adenomatous polyposis 2. Last evaluated: 2024-03-28. Review status: criteria provided, single submitter. Criteria: Invitae Variant Classification Sherloc (09022015). Collection method: clinical testing. Allele origin: germline.
Comment: This sequence change replaces cysteine, which is neutral and slightly polar, with tyrosine, which is neutral and polar, at codon 297 of the MUTYH protein (p.Cys297Tyr). This variant is not present in population databases (gnomAD no frequency). This missense change has been observed in individual(s) with breast cancer (PMID: 29371908). This variant is also known as c.881G>A (p.Cys294Tyr). ClinVar contains an entry for this variant (Variation ID: 246433). An algorithm developed to predict the effect of missense changes on protein structure and function (PolyPhen-2) suggests that this variant is likely to be disruptive. In summary, the available evidence is currently insufficient to determine the role of this variant in disease. Therefore, it has been classified as a Variant of Uncertain Significance.

Baylor Genetics
Classification: Uncertain significance for Familial adenomatous polyposis 2. Last evaluated: 2023-08-08. Review status: criteria provided, single submitter. Criteria: ACMG Guidelines, 2015. Collection method: clinical testing. Allele origin: unknown.

Color Diagnostics, LLC DBA Color Health
Classification: Uncertain significance for Hereditary cancer-predisposing syndrome. Last evaluated: 2019-11-25. Review status: criteria provided, single submitter. Criteria: ACMG Guidelines, 2015. Collection method: clinical testing. Allele origin: germline.
Comment: This missense variant replaces cysteine with tyrosine at codon 297 of the MUTYH protein. Computational prediction suggests that this variant may have deleterious impact on protein structure and function (internally defined REVEL score threshold >= 0.7, PMID: 27666373). Splice site prediction tools suggest that this variant may not impact RNA splicing. To our knowledge, functional studies have not been performed for this variant. This variant has been reported in an individual affected with breast/gynecological cancer in the literature (PMID 29371908). This variant has not been identified in the general population by the Genome Aggregation Database (gnomAD). The available evidence is insufficient to determine the role of this variant in disease conclusively. Therefore, this variant is classified as a Variant of Uncertain Significance.

GeneDx
Classification: Likely pathogenic. Last evaluated: 2016-02-22. Review status: criteria provided, single submitter. Criteria: GeneDx Variant Classification (06012015). Collection method: clinical testing. Allele origin: germline. Affected: yes.
Comment: This variant is denoted MUTYH c.890G>A at the cDNA level, p.Cys297Tyr (C297Y) at the protein level, and results in the change of a Cysteine to a Tyrosine (TGC>TAC). This variant has not, to our knowledge, been published in the literature as pathogenic or benign. MUTYH Cys297Tyr was not observed in approximately 6,500 individuals of European and African American ancestry in the NHLBI Exome Sequencing Project, suggesting it is not a common benign variant in these populations. Since Cysteine and Tyrosine differ in polarity, charge, size or other properties, this is considered a non-conservative amino acid substitution. MUTYH Cys297Tyr occurs at a position that is conserved across species and is located in the within FeS cluster (Ruggieri 2013). In silico analyses predict that this variant is probably damaging to protein structure and function. Based on the currently available evidence, we consider MUTYH Cys297Tyr to be a likely pathogenic variant.

Literature cited by the submitters: PubMed 40738107 (cited by Myriad Genetics, Inc. and Ambry Genetics); PubMed 20816984 (cited by Ambry Genetics); PubMed 29371908 (cited by Labcorp Genetics (formerly Invitae), Labcorp).

NM_001048174.2(MUTYH):c.806G>A (p.Cys269Tyr)

Gene: MUTYH (mutY DNA glycosylase; minus strand). Cytogenetic location: 1p34.1.
Variant type: single nucleotide variant.
Coding change: c.806G>A on transcript NM_001048174.2 (MANE Select); coding-DNA position 806, G replaced by A.
Protein change: p.Cys269Tyr; replaces cysteine 269 with tyrosine.
Molecular consequence: missense variant. On other transcripts: non-coding transcript variant (2).
Genome position (GRCh38, 1-based): chr1:45,332,209, C>T on the plus strand (G>A on the coding strand, the complement: MUTYH is on the minus strand). VCF-style: chr1-45332209-C-T. GRCh37 (hg19) VCF-style: chr1-45797881-C-T.
Other names: c.806G>A, p.Cys269Tyr (NM_001048171.2, NM_001048173.2, NM_001293195.2); c.809G>A, p.Cys270Tyr (NM_001048172.2); c.890G>A, p.Cys297Tyr (NM_001128425.2); c.851G>A, p.Cys284Tyr (NM_001293190.2); c.839G>A, p.Cys280Tyr (NM_001293191.2); c.530G>A, p.Cys177Tyr (NM_001293192.2, NM_001293196.2); c.461G>A, p.Cys154Tyr (NM_001350650.2, NM_001350651.2); c.881G>A, p.Cys294Tyr (NM_012222.3); short protein forms C297Y, C177Y, C270Y, C294Y, C154Y, C280Y, C269Y, C284Y.
Identifiers: ClinVar variation 246433 (VCV000246433.21), dbSNP rs879254257, ClinGen allele CA10584149.